The following is an entry in ClinVar:

ClinVar aggregate classification (germline): Uncertain significance. Review status: criteria provided, multiple submitters, no conflicts (2 of 4 stars). 3 submissions from 3 submitters: Uncertain significance (3). Last evaluated 2025-07-21.

Conditions:
Eichsfeld type congenital muscular dystrophy (CMYO3). Also called: MYOPATHY, SEPN1-RELATED; SELENON-related myopathy; Congenital myopathy 3 with rigid spine; Rigid spine muscular dystrophy 1. Identifiers: MedGen C0410180, MONDO:0100100, OMIM 602771.

Allele frequency attached by ClinVar (database versions not stated): gnomAD 0.00001; gnomAD exomes below 0.00001.
gnomAD v4.1: 15 of 1,614,050 alleles (0.00093%); highest among the groups gnomAD compares: Middle Eastern, 0.016%; no homozygotes.

Submissions (3):

Labcorp Genetics (formerly Invitae), Labcorp
Classification: Uncertain significance for Eichsfeld type congenital muscular dystrophy. Last evaluated: 2025-07-21. Review status: criteria provided, single submitter. Criteria: Invitae Variant Classification Sherloc (09022015). Collection method: clinical testing. Allele origin: germline.
Comment: This sequence change replaces glutamic acid, which is acidic and polar, with lysine, which is basic and polar, at codon 579 of the SELENON protein (p.Glu579Lys). This variant is present in population databases (rs765368764, gnomAD 0.004%). This missense change has been observed in individual(s) with clinical features of SELENON-related conditions (PMID: 32528171). ClinVar contains an entry for this variant (Variation ID: 1440645). An algorithm developed to predict the effect of missense changes on protein structure and function (PolyPhen-2) suggests that this variant is likely to be disruptive. In summary, the available evidence is currently insufficient to determine the role of this variant in disease. Therefore, it has been classified as a Variant of Uncertain Significance.

Women's Health and Genetics/Laboratory Corporation of America, LabCorp
Classification: Uncertain significance. Last evaluated: 2025-04-04. Review status: criteria provided, single submitter. Criteria: LabCorp Variant Classification Summary - May 2015. Collection method: clinical testing. Allele origin: germline.
Comment: Variant summary: SELENON c.1735G>A (p.Glu579Lys) results in a conservative amino acid change in the encoded protein sequence. Four of five in-silico tools predict a damaging effect of the variant on protein function. The variant allele was found at a frequency of 4e-06 in 249516 control chromosomes. The available data on variant occurrences in the general population are insufficient to allow any conclusion about variant significance. c.1735G>A has been reported in the literature in at-least one individual affected with Muscular Dystrophy (example: Topf_2020). These report(s) do not provide unequivocal conclusions about association of the variant with Eichsfeld Type Congenital Muscular Dystrophy. To our knowledge, no experimental evidence demonstrating an impact on protein function has been reported. The following publication has been ascertained in the context of this evaluation (PMID: 32528171). ClinVar contains an entry for this variant (Variation ID: 1440645). Based on the evidence outlined above, the variant was classified as uncertain significance.

Broad Center for Mendelian Genomics, Broad Institute of MIT and Harvard
Classification: Uncertain significance. Last evaluated: 2023-01-24. Review status: criteria provided, single submitter. Criteria: ACMG Guidelines, 2015. Collection method: curation. Allele origin: germline. Inheritance: Autosomal recessive inheritance.
Comment: The p.Glu579Lys variant in SELENON has been reported in 1 individual with SELENON-RM (PMID: 32528171) and has been identified in 0.004% (1/24198) of African/African American chromosomes by the Genome Aggregation Database (gnomAD; dbSNP ID: rs765368764). Although this variant has been seen in the general population in a heterozygous state, its frequency is low enough to be consistent with a recessive carrier frequency. Computational prediction tools and conservation analyses suggest that this variant may impact the protein, though this information is not predictive enough to determine pathogenicity. In summary, the clinical significance of the p.Glu579Lys variant is uncertain. ACMG/AMP Criteria applied: PP3, PM2_supporting (Richards 2015).

Literature cited by the submitters: PubMed 32528171 (cited by Labcorp Genetics (formerly Invitae), Labcorp and Women's Health and Genetics/Laboratory Corporation of America, LabCorp).

NM_206926.2(SELENON):c.1633G>A (p.Glu545Lys)

Gene: SELENON (selenoprotein N; plus strand). Cytogenetic location: 1p36.11.
Variant type: single nucleotide variant.
Coding change: c.1633G>A on transcript NM_206926.2 (MANE Select); coding-DNA position 1633, G replaced by A.
Protein change: p.Glu545Lys; replaces glutamic acid 545 with lysine.
Molecular consequence: missense variant.
Genome position (GRCh38, 1-based): chr1:25,815,680, G>A. VCF-style: chr1-25815680-G-A. GRCh37 (hg19) VCF-style: chr1-26142171-G-A.
Other names: NM_206926.2:c.1633G>A; c.1735G>A, p.Glu579Lys (NM_020451.3); short protein forms E579K, E545K.
Identifiers: ClinVar variation 1440645 (VCV001440645.10), dbSNP rs765368764, ClinGen allele CA19699217.
Genomic context (GRCh38, chr1:25,815,680, plus strand): 5'-TTCAGCTTCTCATCCACCTTTGAAGACCCGTCCACGGCCACCTACATGCAGTTCCTGAAG[G>A]AGGGACTCCGGCGTGGCCTGCCCCTCCTCCAGCCCTAGAGTGCCTGGACGGGATCTGATG-3'
Protein context (NP_996809.1, residues 535-555): STATYMQFLK[Glu545Lys]GLRRGLPLLQ